The following is an entry in ClinVar:

ClinVar aggregate classification (germline): Uncertain significance (1 of 4 stars; one submission).

gnomAD v4.1: 3 of 1,613,962 alleles (0.00019%); highest among the groups gnomAD compares: Admixed American, 0.0017%; no homozygotes.

Submission:

Dasa
Classification: Uncertain significance. Last evaluated: 2024-10-31. Review status: criteria provided, single submitter. Criteria: DASA Assertion Criteria. Collection method: clinical testing. Allele origin: germline.
Comment: NM_021035.3(ZNFX1):c.61+8A>C is a splice-region variant. This variant is rare in population databases. Computational prediction algorithms are consistent with a benign effect. The currently available literature and clinical evidence are not sufficient to establish a definitive association between this variant and the reported condition. Therefore, this variant is classified as a variant of uncertain significance.

NM_021035.3(ZNFX1):c.61+8A>C

Gene: ZNFX1 (zinc finger NFX1-type containing 1; minus strand). Cytogenetic location: 20q13.13.
Variant type: single nucleotide variant.
Coding change: c.61+8A>C on transcript NM_021035.3 (MANE Select); 8 bases into the intron after coding-DNA position 61, A replaced by C.
Molecular consequence: intron variant.
Genome position (GRCh38, 1-based): chr20:49,275,771, T>G on the plus strand (A>C on the coding strand, the complement: ZNFX1 is on the minus strand). VCF-style: chr20-49275771-T-G. GRCh37 (hg19) VCF-style: chr20-47892308-T-G.
Identifiers: ClinVar variation 4883715 (VCV004883715.2).